The following is an entry in ClinVar:

ClinVar aggregate classification (germline): Benign. Review status: criteria provided, single submitter (1 of 4 stars). 2 submissions from 2 submitters: Benign (1). 1 of the submissions does not count toward it. Last evaluated 2025-07-27.

Conditions:
TNK2-related disorder. Also called: TNK2-related condition.

Allele frequency attached by ClinVar (database versions not stated): gnomAD 0.00006 and 0.00011; gnomAD exomes 0.00013 and 0.00034; TOPMed 0.00017; ExAC 0.00037; 1000 Genomes Project 30x 0.00078.
gnomAD v4.1: 201 of 1,549,780 alleles (0.013%); highest among the groups gnomAD compares: East Asian, 0.38%; no homozygotes.

Submissions (2):

Labcorp Genetics (formerly Invitae), Labcorp
Classification: Benign. Last evaluated: 2025-07-27. Review status: criteria provided, single submitter. Criteria: Invitae Variant Classification Sherloc (09022015). Collection method: clinical testing. Allele origin: germline.

PreventionGenetics, part of Exact Sciences
Classification: Likely benign for TNK2-related condition. Last evaluated: 2019-05-08. Review status: no assertion criteria provided. Collection method: clinical testing. Allele origin: germline. Not counted in ClinVar's aggregate classification.
Comment: This variant is classified as likely benign based on ACMG/AMP sequence variant interpretation guidelines (Richards et al. 2015 PMID: 25741868, with internal and published modifications).

NM_001382273.1(TNK2):c.1809C>G (p.Ser603=)

Gene: TNK2 (tyrosine kinase non receptor 2; minus strand). Cytogenetic location: 3q29.
Variant type: single nucleotide variant.
Coding change: c.1809C>G on transcript NM_001382273.1 (MANE Select); coding-DNA position 1809, C replaced by G.
Protein change: p.Ser603=; no amino-acid change (serine 603 retained).
Molecular consequence: synonymous variant. On other transcripts: non-coding transcript variant (15).
Genome position (GRCh38, 1-based): chr3:195,868,489, G>C on the plus strand (C>G on the coding strand, the complement: TNK2 is on the minus strand). VCF-style: chr3-195868489-G-C. GRCh37 (hg19) VCF-style: chr3-195595360-G-C.
Other names: c.1881C>G, p.Ser627= (NM_001010938.2, NM_001382272.1); c.1860C>G, p.Ser620= (NM_001308046.2, NM_001382271.1); c.1809C>G, p.Ser603= (NM_001382274.1, NM_001387716.1, NM_001387717.1 and 1 more transcripts); c.1905C>G, p.Ser635= (NM_001382275.1, NM_001387707.1); c.1764C>G, p.Ser588= (NM_001386164.1, NM_001387709.1, NM_001387710.1 and 8 more transcripts); c.1836C>G, p.Ser612= (NM_001387708.1, NM_001387715.1); c.1764C>G (NM_005781.4).
Identifiers: ClinVar variation 1598950 (VCV001598950.10), dbSNP rs748303339, ClinGen allele CA2776188.